The following is an entry in ClinVar:

ClinVar aggregate classification (germline): Uncertain significance (1 of 4 stars; one submission).

Conditions:
Hereditary cancer-predisposing syndrome. Also called: Neoplastic Syndromes, Hereditary; Tumor predisposition; Hereditary Cancer Syndrome; Hereditary neoplastic syndrome. Identifiers: Orphanet 140162, MedGen C0027672, MeSH D009386, MONDO:0015356.

Submission:

Ambry Genetics
Classification: Uncertain significance for Hereditary cancer-predisposing syndrome. Last evaluated: 2026-02-16. Review status: criteria provided, single submitter. Criteria: Ambry Variant Classification Scheme 2023. Collection method: clinical testing. Allele origin: germline.
Comment: The p.E332Q variant (also known as c.994G>C), located in coding exon 5 of the RET gene, results from a G to C substitution at nucleotide position 994. The glutamic acid at codon 332 is replaced by glutamine, an amino acid with highly similar properties. This amino acid position is conserved. In addition, the in silico prediction for this alteration is inconclusive. Based on the available evidence, the clinical significance of this variant remains unclear.

NM_020975.6(RET):c.994G>C (p.Glu332Gln)

Gene: RET (ret proto-oncogene; plus strand). Cytogenetic location: 10q11.21.
Variant type: single nucleotide variant.
Coding change: c.994G>C on transcript NM_020975.6 (MANE Select); coding-DNA position 994, G replaced by C.
Protein change: p.Glu332Gln; replaces glutamic acid 332 with glutamine.
Molecular consequence: missense variant. On other transcripts: intron variant (25).
Genome position (GRCh38, 1-based): chr10:43,106,502, G>C. VCF-style: chr10-43106502-G-C. GRCh37 (hg19) VCF-style: chr10-43601950-G-C.
Other names: c.338-2529G>C (NM_001406776.1, NM_001406777.1, NM_001406778.1 and 1 more transcripts); c.338-5597G>C (NM_001406790.1, NM_001406788.1, NM_001406789.1 and 1 more transcripts); c.74-2529G>C (NM_001406784.1); c.74-5597G>C (NM_001406794.1, NM_001406792.1, NM_001406793.1); c.232G>C, p.Glu78Gln (NM_001355216.2); c.994G>C, p.Glu332Gln (NM_001406743.1, NM_001406744.1, NM_001406759.1 and 4 more transcripts); c.865G>C, p.Glu289Gln (NM_001406761.1, NM_001406762.1, NM_001406764.1 and 1 more transcripts); c.706G>C, p.Glu236Gln (NM_001406766.1, NM_001406767.1, NM_001406770.1); and 5 more; short protein forms E289Q, E78Q, E236Q, E332Q.
Identifiers: ClinVar variation 4825621 (VCV004825621.1).